The following is an entry in ClinVar:

NM_002609.4(PDGFRB):c.2905-3_2905-1del

Gene: PDGFRB (platelet derived growth factor receptor beta; minus strand). Cytogenetic location: 5q32.
Variant type: Deletion.
Coding change: c.2905-3_2905-1del on transcript NM_002609.4 (MANE Select); 3 bases into the intron before coding-DNA position 2905 through the canonical splice acceptor site of the intron before coding-DNA position 2905, 3 bases deleted (CAG; older notation c.2905-3_2905-1delCAG).
Molecular consequence: splice acceptor variant.
Genome position (GRCh38, 1-based): chr5:150,117,851-150,117,853, CTG deleted on the plus strand (CAG on the coding strand, the reverse complement: PDGFRB is on the minus strand); deleting any 3 consecutive bases within chr5:150,117,851-150,117,855 gives the same sequence; the c. name uses the placement nearest the transcript's 3' end. VCF-style (leftmost placement, unchanged base first): chr5-150117850-TCTG-T. GRCh37 (hg19) VCF-style: chr5-149497413-TCTG-T.
Other names: c.2713-3_2713-1del (NM_001355016.2); c.2422-3_2422-1del (NM_001355017.2).
Identifiers: ClinVar variation 1311429 (VCV001311429.2), dbSNP rs2113884554, ClinGen allele CA2573052460.

ClinVar aggregate classification (germline): Uncertain significance (1 of 4 stars; one submission).

Submission:

GeneDx
Classification: Uncertain significance. Last evaluated: 2019-12-12. Review status: criteria provided, single submitter. Criteria: GeneDx Variant Classification Process June 2021. Collection method: clinical testing. Allele origin: germline. Affected: yes.
Comment: Not observed in large population cohorts (Lek et al., 2016); Has not been previously published as pathogenic or benign to our knowledge; In-silico analysis, which includes splice predictors and evolutionary conservation, is inconclusive as to whether the variant alters gene splicing. In the absence of RNA/functional studies, the actual effect of this sequence change is unknown.